The following is an entry in ClinVar:

NM_006421.5(ARFGEF1):c.2395C>T (p.Arg799Ter)

Gene: ARFGEF1 (ARF guanine nucleotide exchange factor 1; minus strand). Cytogenetic location: 8q13.2.
Variant type: single nucleotide variant.
Coding change: c.2395C>T on transcript NM_006421.5 (MANE Select); coding-DNA position 2395, C replaced by T.
Protein change: p.Arg799Ter; replaces arginine 799 with a stop codon.
Molecular consequence: nonsense.
Genome position (GRCh38, 1-based): chr8:67,258,131, G>A on the plus strand (C>T on the coding strand, the complement: ARFGEF1 is on the minus strand). VCF-style: chr8-67258131-G-A. GRCh37 (hg19) VCF-style: chr8-68170366-G-A.
Other names: short protein forms R799*.
Identifiers: ClinVar variation 996317 (VCV000996317.3), dbSNP rs1563869264, ClinGen allele CA371214120.
Genomic context (GRCh38, chr8:67,258,131, plus strand): 5'-TGAACCTTATTTACCCTTGGTTGCATTCTAGGTATCTTGCAGCAAATTTTTCCATTAATC[G>A]ATCGATTTTCTGAGCTTCCCCTGGAAGACGAAATCCTTCTAGAAACATACGAAGGGCTGA-3'

ClinVar aggregate classification (germline): Pathogenic. Review status: criteria provided, multiple submitters, no conflicts (2 of 4 stars). 2 submissions from 2 submitters: Pathogenic (2). Last evaluated 2025-08-07.

Conditions:
Global developmental delay (DD). Also called: Cognitive delay. Identifiers: MedGen C0557874, HP:0001263. Disease mechanism: loss of function.
Delayed speech and language development. Also called: Language delay. Identifiers: MedGen C0454644, HP:0000750.
Atypical behavior. Also called: Behavioral disorders; Behavioral abnormality. Identifiers: MedGen C0004941, HP:0000708.
Intellectual disability. Also called: Intellectual functioning disability; intellectual disabilities; Intellectual developmental disorder. Identifiers: MedGen C3714756, MeSH D008607, MONDO:0001071, HP:0001249.

Submissions (2):

GeneDx
Classification: Pathogenic. Last evaluated: 2025-08-07. Review status: criteria provided, single submitter. Criteria: GeneDx Variant Classification Process June 2021. Collection method: clinical testing. Allele origin: germline. Affected: yes.
Comment: Nonsense variant predicted to result in protein truncation or nonsense mediated decay in a gene for which loss of function is a known mechanism of disease; Not observed at significant frequency in large population cohorts (gnomAD); This variant is associated with the following publications: (PMID: 34113008)

Equipe Genetique des Anomalies du Developpement, Université de Bourgogne
Classification: Pathogenic for Global developmental delay; Delayed speech and language development; Atypical behavior; Intellectual disability. Review status: criteria provided, single submitter. Criteria: ACMG Guidelines, 2015. Collection method: clinical testing. Allele origin: unknown. Affected: yes.

Literature cited by the submitters: PubMed 34113008 (cited by Equipe Genetique des Anomalies du Developpement, Université de Bourgogne).